The following is an entry in ClinVar:

NM_001352754.2(ARMC9):c.2213G>A (p.Arg738His)

Genes: ARMC9 (armadillo repeat containing 9; plus strand), LOC122861306 (Sharpr-MPRA regulatory region 9410; plus strand). Cytogenetic location: 2q37.1.
Variant type: single nucleotide variant.
Coding change: c.2213G>A on transcript NM_001352754.2 (MANE Select); coding-DNA position 2213, G replaced by A.
Protein change: p.Arg738His; replaces arginine 738 with histidine.
Molecular consequence: missense variant.
Genome position (GRCh38, 1-based): chr2:231,360,835, G>A. VCF-style: chr2-231360835-G-A. GRCh37 (hg19) VCF-style: chr2-232225546-G-A.
Other names: c.2213G>A, p.Arg738His (NM_001271466.4); short protein forms R738H.
Identifiers: ClinVar variation 1502432 (VCV001502432.3), dbSNP rs570719658, ClinGen allele CA66862407.

ClinVar aggregate classification (germline): Uncertain significance (1 of 4 stars; one submission).

Allele frequency attached by ClinVar (database versions not stated): gnomAD 0.00001; TOPMed 0.00002; 1000 Genomes Project 0.00020; 1000 Genomes Project 30x 0.00031.
gnomAD v4.1: 16 of 1,535,806 alleles (0.001%); highest among the groups gnomAD compares: East Asian, 0.0049%; no homozygotes.

Submission:

Labcorp Genetics (formerly Invitae), Labcorp
Classification: Uncertain significance. Last evaluated: 2022-06-27. Review status: criteria provided, single submitter. Criteria: Invitae Variant Classification Sherloc (09022015). Collection method: clinical testing. Allele origin: germline.
Comment: This sequence change replaces arginine, which is basic and polar, with histidine, which is basic and polar, at codon 738 of the ARMC9 protein (p.Arg738His). This variant is not present in population databases (gnomAD no frequency). This variant has not been reported in the literature in individuals affected with ARMC9-related conditions. Experimental studies and prediction algorithms are not available or were not evaluated, and the functional significance of this variant is currently unknown. In summary, the available evidence is currently insufficient to determine the role of this variant in disease. Therefore, it has been classified as a Variant of Uncertain Significance.